The following is an entry in ClinVar:

ClinVar aggregate classification (germline): Uncertain significance (1 of 4 stars; one submission).

Allele frequency attached by ClinVar (database versions not stated): ESP Exome Variant Server 0.00008.
gnomAD v4.1: 84 of 1,613,856 alleles (0.0052%); highest among the groups gnomAD compares: East Asian, 0.02%; no homozygotes.

Submission:

Labcorp Genetics (formerly Invitae), Labcorp
Classification: Uncertain significance. Last evaluated: 2022-11-29. Review status: criteria provided, single submitter. Criteria: Invitae Variant Classification Sherloc (09022015). Collection method: clinical testing. Allele origin: germline.
Comment: Advanced modeling of protein sequence and biophysical properties (such as structural, functional, and spatial information, amino acid conservation, physicochemical variation, residue mobility, and thermodynamic stability) performed at Invitae indicates that this missense variant is not expected to disrupt MMP2 protein function. In summary, the available evidence is currently insufficient to determine the role of this variant in disease. Therefore, it has been classified as a Variant of Uncertain Significance. ClinVar contains an entry for this variant (Variation ID: 1398203). This variant has not been reported in the literature in individuals affected with MMP2-related conditions. This variant is present in population databases (rs145337551, gnomAD 0.05%). This sequence change replaces arginine, which is basic and polar, with histidine, which is basic and polar, at codon 175 of the MMP2 protein (p.Arg175His).

NM_004530.6(MMP2):c.524G>A (p.Arg175His)

Gene: MMP2 (matrix metallopeptidase 2; plus strand). Cytogenetic location: 16q12.2.
Variant type: single nucleotide variant.
Coding change: c.524G>A on transcript NM_004530.6 (MANE Select); coding-DNA position 524, G replaced by A.
Protein change: p.Arg175His; replaces arginine 175 with histidine.
Molecular consequence: missense variant.
Genome position (GRCh38, 1-based): chr16:55,484,159, G>A. VCF-style: chr16-55484159-G-A. GRCh37 (hg19) VCF-style: chr16-55518071-G-A.
Other names: c.374G>A, p.Arg125His (NM_001127891.3); c.296G>A, p.Arg99His (NM_001302508.1, NM_001302509.2, NM_001302510.2); short protein forms R175H, R125H, R99H.
Identifiers: ClinVar variation 1398203 (VCV001398203.6), dbSNP rs145337551, ClinGen allele CA8060110.